The following is an entry in ClinVar:

NM_017541.4(CRYGS):c.107G>A (p.Arg36His)

Gene: CRYGS (crystallin gamma S; minus strand). Cytogenetic location: 3q27.3.
Variant type: single nucleotide variant.
Coding change: c.107G>A on transcript NM_017541.4 (MANE Select); coding-DNA position 107, G replaced by A.
Protein change: p.Arg36His; replaces arginine 36 with histidine.
Molecular consequence: missense variant.
Genome position (GRCh38, 1-based): chr3:186,539,512, C>T on the plus strand (G>A on the coding strand, the complement: CRYGS is on the minus strand). VCF-style: chr3-186539512-C-T. GRCh37 (hg19) VCF-style: chr3-186257301-C-T.
Other names: short protein forms R36H.
Identifiers: ClinVar variation 2197267 (VCV002197267.5), dbSNP rs764793775, ClinGen allele CA2743928.

ClinVar aggregate classification (germline): Uncertain significance. Review status: criteria provided, multiple submitters, no conflicts (2 of 4 stars). 2 submissions from 2 submitters: Uncertain significance (2). Last evaluated 2024-04-05.

Conditions:
Cataract 20 multiple types (CTRCT20). Also called: Membranous cataract. Identifiers: Orphanet 91492, MedGen C0524524, MONDO:0007284, OMIM 116100, HP:0010922.

Allele frequency attached by ClinVar (database versions not stated): gnomAD 0.00003; ExAC 0.00004; gnomAD exomes 0.00004.
gnomAD v4.1: 59 of 1,613,774 alleles (0.0037%); highest among the groups gnomAD compares: Non-Finnish European, 0.0049%; no homozygotes.

Submissions (2):

Labcorp Genetics (formerly Invitae), Labcorp
Classification: Uncertain significance for Cataract 20 multiple types. Last evaluated: 2024-04-05. Review status: criteria provided, single submitter. Criteria: Invitae Variant Classification Sherloc (09022015). Collection method: clinical testing. Allele origin: germline.
Comment: This sequence change replaces arginine, which is basic and polar, with histidine, which is basic and polar, at codon 36 of the CRYGS protein (p.Arg36His). This variant is present in population databases (rs764793775, gnomAD 0.006%). This variant has not been reported in the literature in individuals affected with CRYGS-related conditions. ClinVar contains an entry for this variant (Variation ID: 2197267). Algorithms developed to predict the effect of missense changes on protein structure and function output the following: SIFT: "Not Available"; PolyPhen-2: "Benign"; Align-GVGD: "Not Available". The histidine amino acid residue is found in multiple mammalian species, which suggests that this missense change does not adversely affect protein function. In summary, the available evidence is currently insufficient to determine the role of this variant in disease. Therefore, it has been classified as a Variant of Uncertain Significance.

Department of Pathology and Laboratory Medicine, Sinai Health System
Classification: Uncertain significance for cataract 20 multiple types. Last evaluated: 2021-07-30. Review status: criteria provided, single submitter. Criteria: ACMG Guidelines, 2015. Collection method: research. Allele origin: germline.